The following is an entry in ClinVar:

ClinVar aggregate classification (germline): Conflicting classifications of pathogenicity. Review status: criteria provided, conflicting classifications (1 of 4 stars). 3 submissions from 3 submitters: Uncertain significance (2); Likely benign (1). Last evaluated 2026-04-13.

Conditions:
Hereditary cancer-predisposing syndrome. Also called: Hereditary Cancer Syndrome; Neoplastic Syndromes, Hereditary; Tumor predisposition; Hereditary neoplastic syndrome. Identifiers: Orphanet 140162, MedGen C0027672, MeSH D009386, MONDO:0015356.
Renal cell carcinoma. Identifiers: Orphanet 217071, MedGen C0007134, MeSH D002292, MONDO:0005086, HP:0005584.

Submissions (3):

Ambry Genetics
Classification: Likely benign for Hereditary cancer-predisposing syndrome. Last evaluated: 2026-04-13. Review status: criteria provided, single submitter. Criteria: Ambry Variant Classification Scheme 2023. Collection method: clinical testing. Allele origin: germline.

Labcorp Genetics (formerly Invitae), Labcorp
Classification: Uncertain significance for Renal cell carcinoma. Last evaluated: 2025-10-15. Review status: criteria provided, single submitter. Criteria: Invitae Variant Classification Sherloc (09022015). Collection method: clinical testing. Allele origin: germline.
Comment: This sequence change replaces methionine, which is neutral and non-polar, with leucine, which is neutral and non-polar, at codon 362 of the MET protein (p.Met362Leu). This variant is not present in population databases (gnomAD no frequency). This variant has not been reported in the literature in individuals affected with MET-related conditions. ClinVar contains an entry for this variant (Variation ID: 950814). Invitae Evidence Modeling of protein sequence and biophysical properties (such as structural, functional, and spatial information, amino acid conservation, physicochemical variation, residue mobility, and thermodynamic stability) indicates that this missense variant is not expected to disrupt MET protein function with a negative predictive value of 80%. In summary, the available evidence is currently insufficient to determine the role of this variant in disease. Therefore, it has been classified as a Variant of Uncertain Significance.

GeneDx
Classification: Uncertain significance. Last evaluated: 2023-12-08. Review status: criteria provided, single submitter. Criteria: GeneDx Variant Classification Process June 2021. Collection method: clinical testing. Allele origin: germline. Affected: yes.
Comment: Not observed at significant frequency in large population cohorts (gnomAD); In silico analysis supports that this missense variant does not alter protein structure/function; Has not been previously published as pathogenic or benign to our knowledge

NM_000245.4(MET):c.1084A>C (p.Met362Leu)

Gene: MET (MET proto-oncogene, receptor tyrosine kinase; plus strand). Cytogenetic location: 7q31.2.
Variant type: single nucleotide variant.
Coding change: c.1084A>C on transcript NM_000245.4 (MANE Select); coding-DNA position 1084, A replaced by C.
Protein change: p.Met362Leu; replaces methionine 362 with leucine.
Molecular consequence: missense variant. On other transcripts: intron variant (1).
Genome position (GRCh38, 1-based): chr7:116,700,168, A>C. VCF-style: chr7-116700168-A-C. GRCh37 (hg19) VCF-style: chr7-116340222-A-C.
Other names: c.1084A>C, p.Met362Leu (NM_001127500.3, NM_001324401.3); c.-91+27591A>C (NM_001324402.2); short protein forms M362L.
Identifiers: ClinVar variation 950814 (VCV000950814.12), dbSNP rs1791519202, ClinGen allele CA368970498.